The following is an entry in ClinVar:

NM_003482.4(KMT2D):c.11120G>A (p.Arg3707Gln)

Gene: KMT2D (lysine methyltransferase 2D; minus strand). Cytogenetic location: 12q13.12.
Variant type: single nucleotide variant.
Coding change: c.11120G>A on transcript NM_003482.4 (MANE Select); coding-DNA position 11120, G replaced by A.
Protein change: p.Arg3707Gln; replaces arginine 3707 with glutamine.
Molecular consequence: missense variant.
Genome position (GRCh38, 1-based): chr12:49,033,585, C>T on the plus strand (G>A on the coding strand, the complement: KMT2D is on the minus strand). VCF-style: chr12-49033585-C-T. GRCh37 (hg19) VCF-style: chr12-49427368-C-T.
Other names: c.11120G>A (NM_003482.3); short protein forms R3707Q.
Identifiers: ClinVar variation 134716 (VCV000134716.8), dbSNP rs587778477, ClinGen allele CA160601.

ClinVar aggregate classification (germline): Benign/Likely benign. Review status: criteria provided, multiple submitters, no conflicts (2 of 4 stars). 4 submissions from 4 submitters: Benign (1); Likely benign (1). 2 of the submissions do not count toward it. Last evaluated 2024-07-27.

Conditions:
KMT2D-related disorder. Also called: KMT2D-Related Disorders.
Kabuki syndrome 1 (KABUK1). Also called: KMT2D-Related Kabuki Syndrome. Identifiers: Orphanet 2322, MedGen CN030661, MONDO:0007843, OMIM 147920.
Choanal atresia-athelia-hypothyroidism-delayed puberty-short stature syndrome (BCAHH). Also called: BRANCHIAL ARCH ABNORMALITIES, CHOANAL ATRESIA, ATHELIA, HEARING LOSS, AND HYPOTHYROIDISM SYNDROME. Identifiers: Orphanet 589856, MedGen C5680310, MONDO:0035651, OMIM 620186.
Kabuki syndrome. Also called: NIIKAWA-KUROKI SYNDROME; Kabuki make-up syndrome. Identifiers: Orphanet 2322, MedGen C0796004, MONDO:0016512.

Allele frequency attached by ClinVar (database versions not stated): gnomAD 0.00002; gnomAD exomes 0.00002; TOPMed 0.00002; ExAC 0.00003.
gnomAD v4.1: 26 of 1,613,370 alleles (0.0016%); highest among the groups gnomAD compares: East Asian, 0.036%; no homozygotes.

Submissions (4):

Labcorp Genetics (formerly Invitae), Labcorp
Classification: Benign for Kabuki syndrome. Last evaluated: 2024-07-27. Review status: criteria provided, single submitter. Criteria: Invitae Variant Classification Sherloc (09022015). Collection method: clinical testing. Allele origin: germline.

Fulgent Genetics
Classification: Likely benign for Kabuki syndrome 1; Choanal atresia-athelia-hypothyroidism-delayed puberty-short stature syndrome. Last evaluated: 2024-06-09. Review status: criteria provided, single submitter. Criteria: ACMG Guidelines, 2015. Collection method: clinical testing. Allele origin: germline.

PreventionGenetics, part of Exact Sciences
Classification: Uncertain significance for KMT2D-related condition. Last evaluated: 2024-03-09. Review status: no assertion criteria provided. Collection method: clinical testing. Allele origin: germline. Not counted in ClinVar's aggregate classification.
Comment: The KMT2D c.11120G>A variant is predicted to result in the amino acid substitution p.Arg3707Gln. To our knowledge, this variant has not been reported in the literature. This variant is reported in 0.022% of alleles in individuals of East Asian descent in gnomAD, which may be too common to be a primary cause of disease. Although we suspect that this variant may be benign, at this time, the clinical significance of this variant is uncertain due to the absence of conclusive functional and genetic evidence.

ITMI
No classification provided. Condition: AllHighlyPenetrant. Last evaluated: 2013-09-19. Review status: no classification provided. Collection method: reference population. Allele origin: germline. Not counted in ClinVar's aggregate classification.
Comment: Please see associated publication for description of ethnicities

Literature cited by the submitters: PubMed 24728327 (cited by ITMI).